The following is an entry in ClinVar:

NM_153676.4(USH1C):c.497-2del

Gene: USH1C (USH1 protein network component harmonin; minus strand). Cytogenetic location: 11p15.1.
Variant type: Deletion.
Coding change: c.497-2del on transcript NM_153676.4 (MANE Select); the canonical splice acceptor site of the intron before coding-DNA position 497, one base deleted (A; older notation c.497-2delA).
Molecular consequence: splice acceptor variant.
Genome position (GRCh38, 1-based): chr11:17,527,042, T deleted on the plus strand (A on the coding strand, the reverse complement: USH1C is on the minus strand). VCF-style (leftmost placement, unchanged base first): chr11-17527041-CT-C. GRCh37 (hg19) VCF-style: chr11-17548588-CT-C.
Other names: IVS5AS, A DEL, -2; c.497-2del (NM_001297764.2, NM_005709.4).
Identifiers: ClinVar variation 5140 (VCV000005140.17), dbSNP rs1480243085, ClinGen allele CA674239371.

ClinVar aggregate classification (germline): Pathogenic. Review status: criteria provided, multiple submitters, no conflicts (2 of 4 stars). 8 submissions from 8 submitters: Pathogenic (5). 3 of the submissions do not count toward it. Last evaluated 2026-01-20.

Conditions:
USH1C-related disorder. Also called: USH1C-related condition.
Retinal dystrophy. Also called: Inherited retinal dystrophy. Identifiers: Orphanet 71862, MedGen C0854723, MeSH D058499, MONDO:0019118, HP:0000556.
Autosomal recessive nonsyndromic hearing loss 18A. Also called: DEAFNESS, AUTOSOMAL RECESSIVE 18; Deafness, autosomal recessive 18A. Identifiers: Orphanet 90636, MedGen C1865870, MONDO:0011192, OMIM 602092.
Usher syndrome type 1C. Also called: USHER SYNDROME, TYPE I, ACADIAN VARIETY. Identifiers: Orphanet 231169, Orphanet 886, MedGen C1848604, MONDO:0010171, OMIM 276904.
Usher syndrome type 1 (USH1). Also called: RETINITIS PIGMENTOSA AND CONGENITAL DEAFNESS. Identifiers: Orphanet 231169, Orphanet 886, MedGen C1568247, MONDO:0010168, OMIM 276900.

Allele frequency attached by ClinVar (database versions not stated): gnomAD 0.00001; gnomAD exomes 0.00001; TOPMed 0.00001.

Submissions (8):

Natera, Inc.
Classification: Pathogenic for Usher syndrome type 1C. Last evaluated: 2026-01-20. Review status: criteria provided, single submitter. Criteria: Natera Variant Classification Schema (03/2026). Collection method: clinical testing. Allele origin: germline.
Comment: The c.497-2delA variant in USH1C is a canonical splice acceptor site variant predicted to affect pre-mRNA splicing, which may result in an abnormal transcript and altered protein product. This variant is expected to result in nonsense mediated decay, truncation, or a dysfunctional protein product. This variant is rare in the general population with a frequency below the threshold expected for the associated phenotype(s). This variant has been observed in one or more individuals affected with the associated recessive disease, as either homozygous or compound heterozygous with a second variant (PMID: 10973247, 22219650). Given the available evidence, this variant is classified as Pathogenic.

Fulgent Genetics
Classification: Pathogenic for Usher syndrome type 1C; Autosomal recessive nonsyndromic hearing loss 18A. Last evaluated: 2024-03-20. Review status: criteria provided, single submitter. Criteria: ACMG Guidelines, 2015. Collection method: clinical testing. Allele origin: germline.

Blueprint Genetics
Classification: Pathogenic for USH1C-related disorders. Last evaluated: 2024-02-21. Review status: criteria provided, single submitter. Criteria: ACMG Guidelines, 2015. Collection method: clinical testing. Allele origin: germline. Affected: yes. Observed: 5 variant alleles.

Baylor Genetics
Classification: Pathogenic for Autosomal recessive nonsyndromic hearing loss 18A. Last evaluated: 2023-10-20. Review status: criteria provided, single submitter. Criteria: ACMG Guidelines, 2015. Collection method: clinical testing. Allele origin: unknown.

Labcorp Genetics (formerly Invitae), Labcorp
Classification: Pathogenic. Last evaluated: 2023-06-25. Review status: criteria provided, single submitter. Criteria: Invitae Variant Classification Sherloc (09022015). Collection method: clinical testing. Allele origin: germline.
Comment: For these reasons, this variant has been classified as Pathogenic. Algorithms developed to predict the effect of sequence changes on RNA splicing suggest that this variant may disrupt the consensus splice site. ClinVar contains an entry for this variant (Variation ID: 5140). Disruption of this splice site has been observed in individuals with Usher syndrome (PMID: 10973247). It has also been observed to segregate with disease in related individuals. This variant is not present in population databases (gnomAD no frequency). This sequence change affects a splice site in intron 5 of the USH1C gene. It is expected to disrupt RNA splicing. Variants that disrupt the donor or acceptor splice site typically lead to a loss of protein function (PMID: 16199547), and loss-of-function variants in USH1C are known to be pathogenic (PMID: 10973247, 17407589, 20301442, 21203349).

Institute of Human Genetics, Univ. Regensburg, Univ. Regensburg
Classification: Pathogenic for Retinal dystrophy. Last evaluated: 2022-01-01. Review status: no assertion criteria provided. Criteria: ACMG Guidelines, 2015. Collection method: clinical testing. Allele origin: germline. Affected: yes. Not counted in ClinVar's aggregate classification.

Sharon lab, Hadassah-Hebrew University Medical Center
Classification: Pathogenic for usher syndrome type 1. Last evaluated: 2019-06-23. Review status: no assertion criteria provided. Collection method: research. Allele origin: inherited. Affected: yes. Not counted in ClinVar's aggregate classification.

OMIM
Classification: Pathogenic for USHER SYNDROME, TYPE IC. Last evaluated: 2000-09-01. Review status: no assertion criteria provided. Collection method: literature only. Allele origin: germline. Not counted in ClinVar's aggregate classification.

Literature cited by the submitters: PubMed 10973247 (cited by 3 submitters); PubMed 22219650 (cited by Natera, Inc.); PubMed 16199547 (cited by Labcorp Genetics (formerly Invitae), Labcorp); PubMed 17407589 (cited by Labcorp Genetics (formerly Invitae), Labcorp); PubMed 20301442 (cited by Labcorp Genetics (formerly Invitae), Labcorp); PubMed 21203349 (cited by Labcorp Genetics (formerly Invitae), Labcorp); PubMed 9760205 (cited by OMIM).